The following is an entry in ClinVar:

NM_000433.4(NCF2):c.714-5T>G

Gene: NCF2 (neutrophil cytosolic factor 2; minus strand). Cytogenetic location: 1q25.3.
Variant type: single nucleotide variant.
Coding change: c.714-5T>G on transcript NM_000433.4 (MANE Select); 5 bases into the intron before coding-DNA position 714, T replaced by G.
Molecular consequence: intron variant.
Genome position (GRCh38, 1-based): chr1:183,567,350, A>C on the plus strand (T>G on the coding strand, the complement: NCF2 is on the minus strand). VCF-style: chr1-183567350-A-C. GRCh37 (hg19) VCF-style: chr1-183536485-A-C.
Other names: c.714-5T>G (NM_001127651.3); c.471-5T>G (NM_001190789.2); c.579-5T>G (NM_001190794.2).
Identifiers: ClinVar variation 1520351 (VCV001520351.8), dbSNP rs1672354679, ClinGen allele CA1211958728.

ClinVar aggregate classification (germline): Uncertain significance (1 of 4 stars; one submission).

Conditions:
Granulomatous disease, chronic, autosomal recessive, cytochrome b-positive, type 2. Also called: Chronic granulomatous disease due to deficiency of NCF-2; Chronic Granulomatous Disease, Autosomal Recessive, Cytochrome b-Positive, Type II; CGD, AUTOSOMAL RECESSIVE CYTOCHROME b-POSITIVE, TYPE II; GRANULOMATOUS DISEASE, CHRONIC, DUE TO NCF2 DEFICIENCY; GRANULOMATOUS DISEASE, CHRONIC, AUTOSOMAL RECESSIVE, 2. Identifiers: Orphanet 379, MedGen C1856245, MONDO:0009310, OMIM 233710.

Allele frequency attached by ClinVar (database versions not stated): gnomAD exomes below 0.00001; TOPMed below 0.00001.
gnomAD v4.1: 1 of 1,614,008 alleles (0.000062%); highest among the groups gnomAD compares: Admixed American, 0.0017%; no homozygotes.

Submission:

Labcorp Genetics (formerly Invitae), Labcorp
Classification: Uncertain significance for Granulomatous disease, chronic, autosomal recessive, cytochrome b-positive, type 2. Last evaluated: 2021-02-01. Review status: criteria provided, single submitter. Criteria: Invitae Variant Classification Sherloc (09022015). Collection method: clinical testing. Allele origin: germline.
Comment: In summary, the available evidence is currently insufficient to determine the role of this variant in disease. Therefore, it has been classified as a Variant of Uncertain Significance. Algorithms developed to predict the effect of sequence changes on RNA splicing suggest that this variant may disrupt the consensus splice site, but this prediction has not been confirmed by published transcriptional studies. This variant has not been reported in the literature in individuals with NCF2-related conditions. This variant is not present in population databases (ExAC no frequency). This sequence change falls in intron 7 of the NCF2 gene. It does not directly change the encoded amino acid sequence of the NCF2 protein.